The following is an entry in ClinVar:

NM_004612.4(TGFBR1):c.479A>G (p.Asn160Ser)

Gene: TGFBR1 (transforming growth factor beta receptor 1; plus strand). Cytogenetic location: 9q22.33.
Variant type: single nucleotide variant.
Coding change: c.479A>G on transcript NM_004612.4 (MANE Select); coding-DNA position 479, A replaced by G.
Protein change: p.Asn160Ser; replaces asparagine 160 with serine.
Molecular consequence: missense variant. On other transcripts: intron variant (1).
Genome position (GRCh38, 1-based): chr9:99,132,644, A>G. VCF-style: chr9-99132644-A-G. GRCh37 (hg19) VCF-style: chr9-101894926-A-G.
Other names: c.491A>G, p.Asn164Ser (NM_001306210.2); c.343+3544A>G (NM_001130916.3); short protein forms N160S, N164S.
Identifiers: ClinVar variation 364098 (VCV000364098.14), dbSNP rs767785290, ClinGen allele CA042147.

ClinVar aggregate classification (germline): Uncertain significance. Review status: criteria provided, multiple submitters, no conflicts (2 of 4 stars). 5 submissions from 5 submitters: Uncertain significance (5). Last evaluated 2025-07-15.

Conditions:
Loeys-Dietz syndrome (LDS). Identifiers: Orphanet 60030, MedGen C2697932, MONDO:0018954.
Familial thoracic aortic aneurysm and aortic dissection (TAAD). Also called: Thoracic aortic aneurysms and dissections. Identifiers: Orphanet 91387, MedGen C4707243, MONDO:0019625.

Allele frequency attached by ClinVar (database versions not stated): gnomAD exomes below 0.00001 and 0.00001; TOPMed 0.00001; ExAC 0.00002.
gnomAD v4.1: 4 of 1,614,162 alleles (0.00025%); highest among the groups gnomAD compares: East Asian, 0.0022%; no homozygotes.

Submissions (5):

Color Diagnostics, LLC DBA Color Health
Classification: Uncertain significance for Familial thoracic aortic aneurysm and aortic dissection. Last evaluated: 2025-07-15. Review status: criteria provided, single submitter. Criteria: ACMG Guidelines, 2015. Collection method: clinical testing. Allele origin: germline.
Comment: This missense variant replaces asparagine with serine at codon 160 of the TGFBR1 protein. Computational prediction suggests that this variant may not impact protein structure and function. To our knowledge, functional studies have not been reported for this variant. This variant has been reported in an individual affected with familial ischemic or hemorrhagic stroke (PMID: 36580209). This variant has been identified in 2/251070 chromosomes in the general population by the Genome Aggregation Database (gnomAD). The available evidence is insufficient to determine the role of this variant in disease conclusively. Therefore, this variant is classified as a Variant of Uncertain Significance.

Labcorp Genetics (formerly Invitae), Labcorp
Classification: Uncertain significance for Familial thoracic aortic aneurysm and aortic dissection. Last evaluated: 2024-12-21. Review status: criteria provided, single submitter. Criteria: Invitae Variant Classification Sherloc (09022015). Collection method: clinical testing. Allele origin: germline.
Comment: This sequence change replaces asparagine, which is neutral and polar, with serine, which is neutral and polar, at codon 160 of the TGFBR1 protein (p.Asn160Ser). This variant is present in population databases (rs767785290, gnomAD 0.01%). This missense change has been observed in individual(s) with TGFBR1-related conditions (PMID: 36580209). This variant is also known as c.A491G:p.N164S. ClinVar contains an entry for this variant (Variation ID: 364098). Invitae Evidence Modeling of protein sequence and biophysical properties (such as structural, functional, and spatial information, amino acid conservation, physicochemical variation, residue mobility, and thermodynamic stability) indicates that this missense variant is not expected to disrupt TGFBR1 protein function with a negative predictive value of 95%. In summary, the available evidence is currently insufficient to determine the role of this variant in disease. Therefore, it has been classified as a Variant of Uncertain Significance.

Ambry Genetics
Classification: Uncertain significance for Familial thoracic aortic aneurysm and aortic dissection. Last evaluated: 2023-09-22. Review status: criteria provided, single submitter. Criteria: Ambry Variant Classification Scheme 2023. Collection method: clinical testing. Allele origin: germline.
Comment: The p.N160S variant (also known as c.479A>G), located in coding exon 3 of the TGFBR1 gene, results from an A to G substitution at nucleotide position 479. The asparagine at codon 160 is replaced by serine, an amino acid with highly similar properties. This amino acid position is well conserved in available vertebrate species. In addition, this alteration is predicted to be tolerated by in silico analysis. Since supporting evidence is limited at this time, the clinical significance of this alteration remains unclear.

All of Us Research Program, National Institutes of Health
Classification: Uncertain significance for Loeys-Dietz syndrome. Last evaluated: 2023-08-15. Review status: criteria provided, single submitter. Criteria: ACMG Guidelines, 2015. Collection method: clinical testing. Allele origin: germline. Inheritance: Autosomal dominant inheritance. Observed: 1 variant allele, 1 heterozygote.
Comment: This study involves interpretation of variants in research participants for the purpose of population health screening. Participant phenotype was not available at the time of variant classification. Additional details can be found in publication PMID: 35346344, PMCID: PMC8962531

Blueprint Genetics
Classification: Uncertain significance. Last evaluated: 2021-05-18. Review status: criteria provided, single submitter. Criteria: ACMG Guidelines, 2015. Collection method: clinical testing. Allele origin: germline.

Literature cited by the submitters: PubMed 36580209 (cited by Color Diagnostics, LLC DBA Color Health and Labcorp Genetics (formerly Invitae), Labcorp).